The following is an entry in ClinVar:

ClinVar aggregate classification (germline): Uncertain significance (1 of 4 stars; one submission).

Conditions:
Zellweger spectrum disorders (ZS). Also called: Zellweger Spectrum Disorder; Zellweger Spectrum; Zellweger Spectrum Disorder (ZSD); Zellweger syndrome. Identifiers: Orphanet 912, MedGen C0043459, MONDO:0019609.

Submission:

Labcorp Genetics (formerly Invitae), Labcorp
Classification: Uncertain significance for Zellweger spectrum disorders. Last evaluated: 2021-10-28. Review status: criteria provided, single submitter. Criteria: Invitae Variant Classification Sherloc (09022015). Collection method: clinical testing. Allele origin: germline.
Comment: This sequence change replaces asparagine, which is neutral and polar, with lysine, which is basic and polar, at codon 187 of the PEX1 protein (p.Asn187Lys). This variant is present in population databases (no rsID available, gnomAD 0.007%). This variant has not been reported in the literature in individuals affected with PEX1-related conditions. Advanced modeling of protein sequence and biophysical properties (such as structural, functional, and spatial information, amino acid conservation, physicochemical variation, residue mobility, and thermodynamic stability) performed at Invitae indicates that this missense variant is not expected to disrupt PEX1 protein function. In summary, the available evidence is currently insufficient to determine the role of this variant in disease. Therefore, it has been classified as a Variant of Uncertain Significance.

NM_000466.3(PEX1):c.561T>G (p.Asn187Lys)

Gene: PEX1 (peroxisomal biogenesis factor 1; minus strand). Cytogenetic location: 7q21.2.
Variant type: single nucleotide variant.
Coding change: c.561T>G on transcript NM_000466.3 (MANE Select); coding-DNA position 561, T replaced by G.
Protein change: p.Asn187Lys; replaces asparagine 187 with lysine.
Molecular consequence: missense variant. On other transcripts: 5 prime UTR variant (1).
Genome position (GRCh38, 1-based): chr7:92,517,954, A>C on the plus strand (T>G on the coding strand, the complement: PEX1 is on the minus strand). VCF-style: chr7-92517954-A-C. GRCh37 (hg19) VCF-style: chr7-92147268-A-C.
Other names: c.561T>G, p.Asn187Lys (NM_001282677.2); c.-64T>G (NM_001282678.2); short protein forms N187K.
Identifiers: ClinVar variation 1417691 (VCV001417691.3), dbSNP rs944593088, ClinGen allele CA161973872.